The following is an entry in ClinVar:

ClinVar aggregate classification (germline): Uncertain significance. Review status: criteria provided, multiple submitters, no conflicts (2 of 4 stars). 2 submissions from 2 submitters: Uncertain significance (2). Last evaluated 2024-04-30.

Conditions:
Hereditary spastic paraplegia 11. Also called: Spastic paraplegia, mental retardation and thin corpus callosum; SPASTIC PARAPLEGIA, AUTOSOMAL RECESSIVE, COMPLICATED, WITH THIN CORPUS CALLOSUM; SPASTIC PARAPLEGIA, AUTOSOMAL RECESSIVE, WITH MENTAL IMPAIRMENT AND THIN CORPUS CALLOSUM; Nakamura Osame syndrome; Autosomal recessive hereditary spastic paraplegia, mental impairment, and thin corpus callosum; Spastic Paraplegia 11. Identifiers: Orphanet 2822, MedGen C1858479, MONDO:0011445, OMIM 604360.

Allele frequency attached by ClinVar (database versions not stated): gnomAD exomes 0.00001 and 0.00003; gnomAD 0.00002; ExAC 0.00003; TOPMed 0.00004.
gnomAD v4.1: 23 of 1,613,714 alleles (0.0014%); highest among the groups gnomAD compares: South Asian, 0.0044%; no homozygotes.

Submissions (2):

GeneDx
Classification: Uncertain significance. Last evaluated: 2024-04-30. Review status: criteria provided, single submitter. Criteria: GeneDx Variant Classification Process June 2021. Collection method: clinical testing. Allele origin: germline. Affected: yes.
Comment: Not observed at significant frequency in large population cohorts (gnomAD); In silico analysis supports that this missense variant has a deleterious effect on protein structure/function; This variant is associated with the following publications: (PMID: 33589474)

Labcorp Genetics (formerly Invitae), Labcorp
Classification: Uncertain significance for Hereditary spastic paraplegia 11. Last evaluated: 2022-07-06. Review status: criteria provided, single submitter. Criteria: Invitae Variant Classification Sherloc (09022015). Collection method: clinical testing. Allele origin: germline.
Comment: This sequence change replaces isoleucine, which is neutral and non-polar, with threonine, which is neutral and polar, at codon 2246 of the SPG11 protein (p.Ile2246Thr). This variant is present in population databases (rs762209905, gnomAD 0.004%). This missense change has been observed in individual(s) with amyotrophic lateral sclerosis (PMID: 33589474). ClinVar contains an entry for this variant (Variation ID: 573065). Algorithms developed to predict the effect of missense changes on protein structure and function are either unavailable or do not agree on the potential impact of this missense change (SIFT: "Tolerated"; PolyPhen-2: "Possibly Damaging"; Align-GVGD: "Class C0"). In summary, the available evidence is currently insufficient to determine the role of this variant in disease. Therefore, it has been classified as a Variant of Uncertain Significance.

Literature cited by the submitters: PubMed 33589474 (cited by Labcorp Genetics (formerly Invitae), Labcorp).

NM_025137.4(SPG11):c.6737T>C (p.Ile2246Thr)

Gene: SPG11 (SPG11 vesicle trafficking associated, spatacsin; minus strand). Cytogenetic location: 15q21.1.
Variant type: single nucleotide variant.
Coding change: c.6737T>C on transcript NM_025137.4 (MANE Select); coding-DNA position 6737, T replaced by C.
Protein change: p.Ile2246Thr; replaces isoleucine 2246 with threonine.
Molecular consequence: missense variant.
Genome position (GRCh38, 1-based): chr15:44,567,441, A>G on the plus strand (T>C on the coding strand, the complement: SPG11 is on the minus strand). VCF-style: chr15-44567441-A-G. GRCh37 (hg19) VCF-style: chr15-44859639-A-G.
Other names: c.6398T>C, p.Ile2133Thr (NM_001160227.2); short protein forms I2246T, I2133T.
Identifiers: ClinVar variation 573065 (VCV000573065.7), dbSNP rs762209905, ClinGen allele CA7534032.
Genomic context (GRCh38, chr15:44,567,441, plus strand): 5'-GCTAGCAGCACTGTTCTGGTAGTGTGGCTGTGACCTCACTCACCCCAGGGCTGAGACTCA[A>G]TCAATTTCAGTTGGATGCGGGCAGCTGCCTCGTGGTTCTCGCCAATCTCCCGGCACATGC-3'
Protein context (NP_079413.3, residues 2236-2256): EAAARIQLKL[Ile2246Thr]ESQPWEDSLK